The following is an entry in ClinVar:

NM_007317.3(KIF22):c.673T>C (p.Phe225Leu)

Gene: KIF22 (kinesin family member 22; plus strand). Cytogenetic location: 16p11.2.
Variant type: single nucleotide variant.
Coding change: c.673T>C on transcript NM_007317.3 (MANE Select); coding-DNA position 673, T replaced by C.
Protein change: p.Phe225Leu; replaces phenylalanine 225 with leucine.
Molecular consequence: missense variant.
Genome position (GRCh38, 1-based): chr16:29,799,098, T>C. VCF-style: chr16-29799098-T-C. GRCh37 (hg19) VCF-style: chr16-29810419-T-C.
Other names: c.469T>C, p.Phe157Leu (NM_001256269.2, NM_001256270.1); short protein forms F225L, F157L.
Identifiers: ClinVar variation 1492988 (VCV001492988.8), dbSNP rs2142373088, ClinGen allele CA395452752.

ClinVar aggregate classification (germline): Uncertain significance (1 of 4 stars; one submission).

Submission:

Labcorp Genetics (formerly Invitae), Labcorp
Classification: Uncertain significance. Last evaluated: 2022-09-10. Review status: criteria provided, single submitter. Criteria: Invitae Variant Classification Sherloc (09022015). Collection method: clinical testing. Allele origin: germline.
Comment: In summary, the available evidence is currently insufficient to determine the role of this variant in disease. Therefore, it has been classified as a Variant of Uncertain Significance. Advanced modeling of protein sequence and biophysical properties (such as structural, functional, and spatial information, amino acid conservation, physicochemical variation, residue mobility, and thermodynamic stability) performed at Invitae indicates that this missense variant is not expected to disrupt KIF22 protein function. ClinVar contains an entry for this variant (Variation ID: 1492988). This variant has not been reported in the literature in individuals affected with KIF22-related conditions. This variant is not present in population databases (gnomAD no frequency). This sequence change replaces phenylalanine, which is neutral and non-polar, with leucine, which is neutral and non-polar, at codon 225 of the KIF22 protein (p.Phe225Leu).